The following is an entry in ClinVar:

ClinVar aggregate classification (germline): Benign/Likely benign. Review status: criteria provided, multiple submitters, no conflicts (2 of 4 stars). 4 submissions from 4 submitters: Benign (2); Likely benign (2). Last evaluated 2026-01-18.

Conditions:
Miller syndrome (POADS). Also called: GENEE-WIEDEMANN SYNDROME; Genee-Wiedemann acrofacial dysostosis. Identifiers: Orphanet 246, MedGen C0265257, MONDO:0009903, OMIM 263750.

Allele frequency attached by ClinVar (database versions not stated): gnomAD exomes 0.00160 and 0.00349; ExAC 0.00608; ESP Exome Variant Server 0.01321; gnomAD 0.01496 and 0.01597; 1000 Genomes Project 0.01558; 1000 Genomes Project 30x 0.01562; TOPMed 0.01635.
gnomAD v4.1: 4,636 of 1,547,428 alleles (0.3%); highest among the groups gnomAD compares: African/African-American, 5.1%; 96 homozygotes.

Submissions (4):

Labcorp Genetics (formerly Invitae), Labcorp
Classification: Benign. Last evaluated: 2026-01-18. Review status: criteria provided, single submitter. Criteria: Invitae Variant Classification Sherloc (09022015). Collection method: clinical testing. Allele origin: germline.

GeneDx
Classification: Likely benign. Last evaluated: 2019-10-19. Review status: criteria provided, single submitter. Criteria: GeneDx Variant Classification Process June 2021. Collection method: clinical testing. Allele origin: germline. Affected: yes.

Illumina Laboratory Services, Illumina
Classification: Benign for Miller syndrome. Last evaluated: 2018-01-12. Review status: criteria provided, single submitter. Criteria: ICSL Variant Classification Criteria 13 December 2019. Collection method: clinical testing. Allele origin: germline.
Comment: This variant was observed in the ICSL laboratory as part of a predisposition screen in an ostensibly healthy population. It had not been previously curated by ICSL or reported in the Human Gene Mutation Database (HGMD: prior to June 1st, 2018), and was therefore a candidate for classification through an automated scoring system. Utilizing variant allele frequency, disease prevalence and penetrance estimates, and inheritance mode, an automated score was calculated to assess if this variant is too frequent to cause the disease. Based on the score and internal cut-off values, a variant classified as benign is not then subjected to further curation. The score for this variant resulted in a classification of benign for this disease.

Breakthrough Genomics
Classification: Likely benign. Review status: criteria provided, single submitter. Criteria: ACMG Guidelines, 2015. Collection method: not provided. Allele origin: germline. Inheritance: Autosomal recessive inheritance. Affected: yes.

NM_001361.5(DHODH):c.819+10G>A

Gene: DHODH (dihydroorotate dehydrogenase (quinone); plus strand). Cytogenetic location: 16q22.2.
Variant type: single nucleotide variant.
Coding change: c.819+10G>A on transcript NM_001361.5 (MANE Select); 10 bases into the intron after coding-DNA position 819, G replaced by A.
Molecular consequence: intron variant.
Genome position (GRCh38, 1-based): chr16:72,022,485, G>A. VCF-style: chr16-72022485-G-A. GRCh37 (hg19) VCF-style: chr16-72056384-G-A.
Identifiers: ClinVar variation 320432 (VCV000320432.18), dbSNP rs114267707, ClinGen allele CA8158765.